The following is an entry in ClinVar:

ClinVar aggregate classification (germline): Uncertain significance (1 of 4 stars; one submission).

gnomAD v4.1: 16 of 1,611,126 alleles (0.00099%); highest among the groups gnomAD compares: East Asian, 0.0089%; no homozygotes.

Submission:

Women's Health and Genetics/Laboratory Corporation of America, LabCorp
Classification: Uncertain significance. Last evaluated: 2025-03-06. Review status: criteria provided, single submitter. Criteria: LabCorp Variant Classification Summary - May 2015. Collection method: clinical testing. Allele origin: germline.
Comment: Variant summary: SETD1A c.3623G>A (p.Arg1208His) results in a non-conservative amino acid change in the encoded protein sequence. Four of five in-silico tools predict a damaging effect of the variant on protein function. The variant allele was found at a frequency of 2.5e-05 in 235852 control chromosomes. The available data on variant occurrences in the general population are insufficient to allow any conclusion about variant significance. To our knowledge, no occurrence of c.3623G>A in individuals affected with Neurodevelopmental Disorder With Speech Impairment And Dysmorphic Facies and no experimental evidence demonstrating its impact on protein function have been reported. No submitters have cited clinical-significance assessments for this variant to ClinVar. Based on the evidence outlined above, the variant was classified as uncertain significance.

NM_014712.3(SETD1A):c.3623G>A (p.Arg1208His)

Gene: SETD1A (SET domain containing 1A, histone lysine methyltransferase; plus strand). Cytogenetic location: 16p11.2.
Variant type: single nucleotide variant.
Coding change: c.3623G>A on transcript NM_014712.3 (MANE Select); coding-DNA position 3623, G replaced by A.
Protein change: p.Arg1208His; replaces arginine 1208 with histidine.
Molecular consequence: missense variant.
Genome position (GRCh38, 1-based): chr16:30,979,409, G>A. VCF-style: chr16-30979409-G-A. GRCh37 (hg19) VCF-style: chr16-30990730-G-A.
Other names: short protein forms R1208H.
Identifiers: ClinVar variation 3895808 (VCV003895808.1).
Genomic context (GRCh38, chr16:30,979,409, plus strand): 5'-AGGCCAAGTTTCCCGGCCCAGCCTCCCGCAAGGCTCCCCGGGGCGTGGAGCGGACCATCC[G>A]CAACCTGCCCCTGGACCACGCATCTCTGGTCAAGAGTTGGCCCGAGGAGGTGTCCCGAGG-3'
Protein context (NP_055527.1, residues 1198-1218): KAPRGVERTI[Arg1208His]NLPLDHASLV